The following is an entry in ClinVar:

NM_001256545.2(MEGF10):c.*3575T>G

Gene: MEGF10 (multiple EGF like domains 10; plus strand). Cytogenetic location: 5q23.2.
Variant type: single nucleotide variant.
Coding change: c.*3575T>G on transcript NM_001256545.2 (MANE Select); 3575 bases downstream of the stop codon, T replaced by G.
Molecular consequence: 3 prime UTR variant.
Genome position (GRCh38, 1-based): chr5:127,460,893, T>G. VCF-style: chr5-127460893-T-G. GRCh37 (hg19) VCF-style: chr5-126796585-T-G.
Other names: c.*3575T>G (NM_032446.3).
Identifiers: ClinVar variation 350717 (VCV000350717.5), dbSNP rs2898043, ClinGen allele CA10622446.

ClinVar aggregate classification (germline): Benign (1 of 4 stars; one submission).

Conditions:
MEGF10-related myopathy (CMYO10A). Also called: Congenital myopathy 10A, severe variant. Identifiers: Orphanet 439212, MedGen C3280679, MONDO:0013731, OMIM 614399.

Allele frequency attached by ClinVar (database versions not stated): 1000 Genomes Project 0.64716; 1000 Genomes Project 30x 0.64772; TOPMed 0.72538.

Submission:

Illumina Laboratory Services, Illumina
Classification: Benign for MEGF10-related myopathy. Last evaluated: 2018-01-12. Review status: criteria provided, single submitter. Criteria: ICSL Variant Classification Criteria 13 December 2019. Collection method: clinical testing. Allele origin: germline.
Comment: This variant was observed in the ICSL laboratory as part of a predisposition screen in an ostensibly healthy population. It had not been previously curated by ICSL or reported in the Human Gene Mutation Database (HGMD: prior to June 1st, 2018), and was therefore a candidate for classification through an automated scoring system. Utilizing variant allele frequency, disease prevalence and penetrance estimates, and inheritance mode, an automated score was calculated to assess if this variant is too frequent to cause the disease. Based on the score and internal cut-off values, a variant classified as benign is not then subjected to further curation. The score for this variant resulted in a classification of benign for this disease.